The following is an entry in ClinVar:

NM_001130438.3(SPTAN1):c.2114A>G (p.Asp705Gly)

Gene: SPTAN1 (spectrin alpha, non-erythrocytic 1; plus strand). Cytogenetic location: 9q34.11.
Variant type: single nucleotide variant.
Coding change: c.2114A>G on transcript NM_001130438.3 (MANE Select); coding-DNA position 2114, A replaced by G.
Protein change: p.Asp705Gly; replaces aspartic acid 705 with glycine.
Molecular consequence: missense variant.
Genome position (GRCh38, 1-based): chr9:128,583,890, A>G. VCF-style: chr9-128583890-A-G. GRCh37 (hg19) VCF-style: chr9-131346169-A-G.
Other names: c.2114A>G, p.Asp705Gly (NM_001195532.2, NM_001363759.2, NM_001363765.2 and 5 more transcripts); c.2150A>G, p.Asp717Gly (NM_001375312.2, NM_001375318.1); c.2114A>G (NM_001130438.2); short protein forms D717G, D705G.
Identifiers: ClinVar variation 1373431 (VCV001373431.10), dbSNP rs2131152396, ClinGen allele CA375056261.

ClinVar aggregate classification (germline): Uncertain significance. Review status: criteria provided, multiple submitters, no conflicts (2 of 4 stars). 2 submissions from 2 submitters: Uncertain significance (2). Last evaluated 2023-12-05.

Conditions:
Early-infantile DEE. Also called: Ohtahara syndrome; Early infantile epileptic encephalopathy; Early infantile epileptic encephalopathy with suppression bursts. Identifiers: Orphanet 1934, MedGen C0393706, MONDO:0800491.

Submissions (2):

GeneDx
Classification: Uncertain significance. Last evaluated: 2023-12-05. Review status: criteria provided, single submitter. Criteria: GeneDx Variant Classification Process June 2021. Collection method: clinical testing. Allele origin: germline. Affected: yes.
Comment: Not observed at significant frequency in large population cohorts (gnomAD); In silico analysis supports that this missense variant has a deleterious effect on protein structure/function; Has not been previously published as pathogenic or benign to our knowledge

Labcorp Genetics (formerly Invitae), Labcorp
Classification: Uncertain significance for Early-infantile DEE. Last evaluated: 2023-08-17. Review status: criteria provided, single submitter. Criteria: Invitae Variant Classification Sherloc (09022015). Collection method: clinical testing. Allele origin: germline.
Comment: This sequence change replaces aspartic acid, which is acidic and polar, with glycine, which is neutral and non-polar, at codon 705 of the SPTAN1 protein (p.Asp705Gly). This variant is not present in population databases (gnomAD no frequency). This missense change has been observed in individual(s) with clinical features of developmental and epileptic encephalopathy (Invitae). ClinVar contains an entry for this variant (Variation ID: 1373431). Advanced modeling of protein sequence and biophysical properties (such as structural, functional, and spatial information, amino acid conservation, physicochemical variation, residue mobility, and thermodynamic stability) has been performed at Invitae for this missense variant, however the output from this modeling did not meet the statistical confidence thresholds required to predict the impact of this variant on SPTAN1 protein function. In summary, the available evidence is currently insufficient to determine the role of this variant in disease. Therefore, it has been classified as a Variant of Uncertain Significance.